The following is an entry in ClinVar:

ClinVar aggregate classification (germline): Uncertain significance (1 of 4 stars; one submission).

Submission:

Labcorp Genetics (formerly Invitae), Labcorp
Classification: Uncertain significance. Last evaluated: 2022-11-08. Review status: criteria provided, single submitter. Criteria: Invitae Variant Classification Sherloc (09022015). Collection method: clinical testing. Allele origin: germline.
Comment: In summary, the available evidence is currently insufficient to determine the role of this variant in disease. Therefore, it has been classified as a Variant of Uncertain Significance. Advanced modeling of protein sequence and biophysical properties (such as structural, functional, and spatial information, amino acid conservation, physicochemical variation, residue mobility, and thermodynamic stability) has been performed at Invitae for this missense variant, however the output from this modeling did not meet the statistical confidence thresholds required to predict the impact of this variant on WFS1 protein function. This missense change has been observed in individual(s) with autosomal dominant deafness (PMID: 29529044). This variant is not present in population databases (gnomAD no frequency). This sequence change replaces asparagine, which is neutral and polar, with threonine, which is neutral and polar, at codon 661 of the WFS1 protein (p.Asn661Thr).

Literature cited by the submitters: PubMed 29529044.

NM_006005.3(WFS1):c.1982A>C (p.Asn661Thr)

Gene: WFS1 (wolframin ER transmembrane glycoprotein; plus strand). Cytogenetic location: 4p16.1.
Variant type: single nucleotide variant.
Coding change: c.1982A>C on transcript NM_006005.3 (MANE Select); coding-DNA position 1982, A replaced by C.
Protein change: p.Asn661Thr; replaces asparagine 661 with threonine.
Molecular consequence: missense variant.
Genome position (GRCh38, 1-based): chr4:6,301,777, A>C. VCF-style: chr4-6301777-A-C. GRCh37 (hg19) VCF-style: chr4-6303504-A-C.
Other names: c.1982A>C, p.Asn661Thr (NM_001145853.1); short protein forms N661T.
Identifiers: ClinVar variation 1983995 (VCV001983995.4), dbSNP rs2474195497, ClinGen allele CA356177225.